The following is an entry in ClinVar:

ClinVar aggregate classification (germline): Pathogenic (1 of 4 stars; one submission).

Conditions:
Actin accumulation myopathy (CMYO2A). Also called: CONGENITAL MYOPATHY 2A, TYPICAL, AUTOSOMAL DOMINANT; Myopathy, actin, congenital, with cores; Nemaline myopathy 3, with intranuclear rods; Nemaline myopathy type 3; Myopathy, actin, congenital, with excess of thin myofilaments. Identifiers: Orphanet 98904, MedGen C3711389, MONDO:0008070, OMIM 161800.

Submission:

Labcorp Genetics (formerly Invitae), Labcorp
Classification: Pathogenic for Actin accumulation myopathy. Last evaluated: 2019-04-29. Review status: criteria provided, single submitter. Criteria: Invitae Variant Classification Sherloc (09022015). Collection method: clinical testing. Allele origin: germline.
Comment: For these reasons, this variant has been classified as Pathogenic. This variant disrupts the p.Gly48 amino acid residue in ACTA1. Other variant(s) that disrupt this residue have been determined to be pathogenic (PMID: 19562689, 26172852, 27447704). This suggests that this residue is clinically significant, and that variants that disrupt this residue are likely to be disease-causing. Algorithms developed to predict the effect of missense changes on protein structure and function (SIFT, PolyPhen-2, Align-GVGD) all suggest that this variant is likely to be disruptive, but these predictions have not been confirmed by published functional studies and their clinical significance is uncertain. This variant is not present in population databases (ExAC no frequency). This sequence change replaces glycine with valine at codon 48 of the ACTA1 protein (p.Gly48Val). The glycine residue is highly conserved and there is a moderate physicochemical difference between glycine and valine.

Literature cited by the submitters: PubMed 19562689; PubMed 26172852; PubMed 27447704.

NM_001100.4(ACTA1):c.143G>T (p.Gly48Val)

Gene: ACTA1 (actin alpha 1, skeletal muscle; minus strand). Cytogenetic location: 1q42.13.
Variant type: single nucleotide variant.
Coding change: c.143G>T on transcript NM_001100.4 (MANE Select); coding-DNA position 143, G replaced by T.
Protein change: p.Gly48Val; replaces glycine 48 with valine.
Molecular consequence: missense variant.
Genome position (GRCh38, 1-based): chr1:229,432,867, C>A on the plus strand (G>T on the coding strand, the complement: ACTA1 is on the minus strand). VCF-style: chr1-229432867-C-A. GRCh37 (hg19) VCF-style: chr1-229568614-C-A.
Other names: short protein forms G48V.
Identifiers: ClinVar variation 843072 (VCV000843072.10), dbSNP rs367543049, ClinGen allele CA345151023.